The following is an entry in ClinVar:

NM_012335.4(MYO1F):c.1270-61G>A

Gene: MYO1F (myosin IF; minus strand). Cytogenetic location: 19p13.2.
Variant type: single nucleotide variant.
Coding change: c.1270-61G>A on transcript NM_012335.4 (MANE Select); 61 bases into the intron before coding-DNA position 1270, G replaced by A.
Molecular consequence: intron variant.
Genome position (GRCh38, 1-based): chr19:8,545,797, C>T on the plus strand (G>A on the coding strand, the complement: MYO1F is on the minus strand). VCF-style: chr19-8545797-C-T. GRCh37 (hg19) VCF-style: chr19-8610681-C-T.
Other names: c.1258-61G>A (NM_001348355.2).
Identifiers: ClinVar variation 684121 (VCV000684121.2), dbSNP rs117536602, ClinGen allele CA305003080.
Genomic context (GRCh38, chr19:8,545,797, plus strand): 5'-CTGGGGTGGAAAAGGGGGTGGATGTGGGGGCCAGTGAAAAAGTTGTGGCCACCCTTCCCC[C>T]CATGTCCTCTCCCCTTCTCCATCTCATCACTTAGGACTGTCTCTGGTAACAAAGCCCGTC-3'

ClinVar aggregate classification (germline): Likely benign. Review status: criteria provided, multiple submitters, no conflicts (2 of 4 stars). 2 submissions from 2 submitters: Likely benign (2). Last evaluated 2018-06-16.

Allele frequency attached by ClinVar (database versions not stated): 1000 Genomes Project 30x 0.00406; 1000 Genomes Project 0.00439; TOPMed 0.01235; gnomAD 0.01302 and 0.01357.
gnomAD v4.1: 17,087 of 1,157,478 alleles (1.5%); highest among the groups gnomAD compares: Middle Eastern, 1.8%; 148 homozygotes.

Submissions (2):

GeneDx
Classification: Likely benign. Last evaluated: 2018-06-16. Review status: criteria provided, single submitter. Criteria: GeneDx Variant Classification (06012015). Collection method: clinical testing. Allele origin: germline. Affected: yes.
Comment: This variant is considered likely benign or benign based on one or more of the following criteria: it is a conservative change, it occurs at a poorly conserved position in the protein, it is predicted to be benign by multiple in silico algorithms, and/or has population frequency not consistent with disease.

Breakthrough Genomics
Classification: Likely benign. Review status: criteria provided, single submitter. Criteria: ACMG Guidelines, 2015. Collection method: not provided. Allele origin: germline. Inheritance: Unknown mechanism. Affected: yes.